The following is an entry in ClinVar:

NM_000548.5(TSC2):c.1599+5G>C

Gene: TSC2 (TSC complex subunit 2; plus strand). Cytogenetic location: 16p13.3.
Variant type: single nucleotide variant.
Coding change: c.1599+5G>C on transcript NM_000548.5 (MANE Select); 5 bases into the intron after coding-DNA position 1599, G replaced by C.
Molecular consequence: intron variant.
Genome position (GRCh38, 1-based): chr16:2,064,432, G>C. VCF-style: chr16-2064432-G-C. GRCh37 (hg19) VCF-style: chr16-2114433-G-C.
Other names: c.1599+5G>C (NM_000548.3, NM_001114382.3, NM_021055.3 and 4 more transcripts); c.1488+5G>C (NM_001318827.2); c.999+5G>C (NM_001318831.2); c.1452+5G>C (NM_001318829.2); c.1632+5G>C (NM_001318832.2).
Identifiers: ClinVar variation 1709027 (VCV001709027.3), dbSNP rs397515100, ClinGen allele CA2580090506.

ClinVar aggregate classification (germline): Uncertain significance. Review status: criteria provided, multiple submitters, no conflicts (2 of 4 stars). 2 submissions from 2 submitters: Uncertain significance (2). Last evaluated 2024-05-03.

Conditions:
Hereditary cancer-predisposing syndrome. Also called: Hereditary neoplastic syndrome; Tumor predisposition; Neoplastic Syndromes, Hereditary; Hereditary Cancer Syndrome. Identifiers: Orphanet 140162, MedGen C0027672, MeSH D009386, MONDO:0015356.
Tuberous sclerosis 2 (TSC2). Identifiers: Orphanet 805, MedGen C1860707, MONDO:0013199, OMIM 613254.

Submissions (2):

Ambry Genetics
Classification: Uncertain significance for Hereditary cancer-predisposing syndrome. Last evaluated: 2024-05-03. Review status: criteria provided, single submitter. Criteria: Ambry Variant Classification Scheme 2023. Collection method: clinical testing. Allele origin: germline.
Comment: The c.1599+5G>C intronic variant results from a G to C substitution 5 nucleotides after coding exon 14 in the TSC2 gene. This nucleotide position is highly conserved in available vertebrate species. In silico splice site analysis predicts that this alteration will not have any significant effect on splicing. Based on the available evidence, the clinical significance of this variant remains unclear.

MGZ Medical Genetics Center
Classification: Uncertain significance for Tuberous sclerosis 2. Last evaluated: 2022-01-12. Review status: criteria provided, single submitter. Criteria: ACMG Guidelines, 2015. Collection method: clinical testing. Allele origin: germline. Affected: yes. Observed: 1 variant allele.
Comment: ACMG criteria applied: PM2_SUP, PP3